The following is an entry in ClinVar:

NM_001348716.2(KDM6B):c.3219G>T (p.Lys1073Asn)

Gene: KDM6B (lysine demethylase 6B; plus strand). Cytogenetic location: 17p13.1.
Variant type: single nucleotide variant.
Coding change: c.3219G>T on transcript NM_001348716.2 (MANE Select); coding-DNA position 3219, G replaced by T.
Protein change: p.Lys1073Asn; replaces lysine 1073 with asparagine.
Molecular consequence: missense variant.
Genome position (GRCh38, 1-based): chr17:7,849,507, G>T. VCF-style: chr17-7849507-G-T. GRCh37 (hg19) VCF-style: chr17-7752825-G-T.
Other names: c.3219G>T, p.Lys1073Asn (NM_001080424.2); short protein forms K1073N.
Identifiers: ClinVar variation 3533194 (VCV003533194.3).

ClinVar aggregate classification (germline): Likely benign. Review status: criteria provided, multiple submitters, no conflicts (2 of 4 stars). 2 submissions from 2 submitters: Likely benign (2). Last evaluated 2026-06-01.

Conditions:
Inborn genetic diseases. Identifiers: MedGen C0950123, MeSH D030342.

gnomAD v4.1: 43 of 1,612,864 alleles (0.0027%); highest among the groups gnomAD compares: Middle Eastern, 0.05%; no homozygotes.

Submissions (2):

CeGaT Center for Human Genetics Tuebingen
Classification: Likely benign. Last evaluated: 2026-06-01. Review status: criteria provided, single submitter. Criteria: CeGaT Center For Human Genetics Tuebingen Variant Classification Criteria Version 2. Collection method: clinical testing. Allele origin: germline. Affected: yes. Observed: 1 variant allele.
Comment: KDM6B: BS2

Ambry Genetics
Classification: Likely benign for Inborn genetic diseases. Last evaluated: 2024-09-16. Review status: criteria provided, single submitter. Criteria: Ambry Variant Classification Scheme 2023. Collection method: clinical testing. Allele origin: germline.